The following is an entry in ClinVar:

NM_006915.3(RP2):c.284C>A (p.Pro95His)

Gene: RP2 (RP2 activator of ARL3 GTPase; plus strand). Cytogenetic location: Xp11.3.
Variant type: single nucleotide variant.
Coding change: c.284C>A on transcript NM_006915.3 (MANE Select); coding-DNA position 284, C replaced by A.
Protein change: p.Pro95His; replaces proline 95 with histidine.
Molecular consequence: missense variant.
Genome position (GRCh38, 1-based): chrX:46,853,657, C>A. VCF-style: chrX-46853657-C-A. GRCh37 (hg19) VCF-style: chrX-46713092-C-A.
Other names: short protein forms P95H.
Identifiers: ClinVar variation 2086950 (VCV002086950.4), dbSNP rs2147081255, ClinGen allele CA413039192.

ClinVar aggregate classification (germline): Uncertain significance (1 of 4 stars; one submission).

Submission:

Labcorp Genetics (formerly Invitae), Labcorp
Classification: Uncertain significance. Last evaluated: 2022-06-04. Review status: criteria provided, single submitter. Criteria: Invitae Variant Classification Sherloc (09022015). Collection method: clinical testing. Allele origin: germline.
Comment: This variant is not present in population databases (gnomAD no frequency). This sequence change replaces proline, which is neutral and non-polar, with histidine, which is basic and polar, at codon 95 of the RP2 protein (p.Pro95His). This variant has not been reported in the literature in individuals affected with RP2-related conditions. Algorithms developed to predict the effect of missense changes on protein structure and function (SIFT, PolyPhen-2, Align-GVGD) all suggest that this variant is likely to be disruptive. This variant disrupts the p.Pro95 amino acid residue in RP2. Other variant(s) that disrupt this residue have been determined to be pathogenic (PMID: 10937588, 21738648, 28209709; Invitae). This suggests that this residue is clinically significant, and that variants that disrupt this residue are likely to be disease-causing. In summary, the available evidence is currently insufficient to determine the role of this variant in disease. Therefore, it has been classified as a Variant of Uncertain Significance.

Literature cited by the submitters: PubMed 10937588; PubMed 21738648; PubMed 28209709.